The following is an entry in ClinVar:

NM_001378969.1(KCND3):c.478A>G (p.Met160Val)

Gene: KCND3 (potassium voltage-gated channel subfamily D member 3; minus strand). Cytogenetic location: 1p13.2.
Variant type: single nucleotide variant.
Coding change: c.478A>G on transcript NM_001378969.1 (MANE Select); coding-DNA position 478, A replaced by G.
Protein change: p.Met160Val; replaces methionine 160 with valine.
Molecular consequence: missense variant.
Genome position (GRCh38, 1-based): chr1:111,982,249, T>C on the plus strand (A>G on the coding strand, the complement: KCND3 is on the minus strand). VCF-style: chr1-111982249-T-C. GRCh37 (hg19) VCF-style: chr1-112524871-T-C.
Other names: c.478A>G (NM_004980.4); c.478A>G, p.Met160Val (NM_001378970.1, NM_004980.5, NM_172198.3); short protein forms M160V.
Identifiers: ClinVar variation 1370500 (VCV001370500.7), dbSNP rs901416743, ClinGen allele CA29326302.
Genomic context (GRCh38, chr1:111,982,249, plus strand): 5'-TGCTGGTGTGGGGGTTCTCGAAGGCCCGCCACATGGTCTGGCGGAAGCTGAGCGAGGGCA[T>C]GGACTCCTGGTTGTTCTCCGAGTCGTTGTCGTCCATGAGCCGCTCGGCGTTCTCCCTCTT-3'
Protein context (NP_001365898.1, residues 150-170): DNDSENNQES[Met160Val]PSLSFRQTMW

ClinVar aggregate classification (germline): Uncertain significance. Review status: criteria provided, multiple submitters, no conflicts (2 of 4 stars). 2 submissions from 2 submitters: Uncertain significance (2). Last evaluated 2025-07-24.

Conditions:
Spinocerebellar ataxia type 19/22 (SCA19). Also called: SPINOCEREBELLAR ATAXIA 22; SPINOCEREBELLAR ATAXIA 19. Identifiers: Orphanet 98772, MedGen C1846367, MONDO:0011819, OMIM 607346.
Cardiovascular phenotype. Identifiers: MedGen CN230736.

Allele frequency attached by ClinVar (database versions not stated): gnomAD exomes below 0.00001.

Submissions (2):

Labcorp Genetics (formerly Invitae), Labcorp
Classification: Uncertain significance for Spinocerebellar ataxia type 19/22. Last evaluated: 2025-07-24. Review status: criteria provided, single submitter. Criteria: Invitae Variant Classification Sherloc (09022015). Collection method: clinical testing. Allele origin: germline.
Comment: This sequence change replaces methionine, which is neutral and non-polar, with valine, which is neutral and non-polar, at codon 160 of the KCND3 protein (p.Met160Val). This variant is present in population databases (no rsID available, gnomAD 0.0009%). This variant has not been reported in the literature in individuals affected with KCND3-related conditions. ClinVar contains an entry for this variant (Variation ID: 1370500). Invitae Evidence Modeling of protein sequence and biophysical properties (such as structural, functional, and spatial information, amino acid conservation, physicochemical variation, residue mobility, and thermodynamic stability) indicates that this missense variant is not expected to disrupt KCND3 protein function with a negative predictive value of 95%. In summary, the available evidence is currently insufficient to determine the role of this variant in disease. Therefore, it has been classified as a Variant of Uncertain Significance.

Ambry Genetics
Classification: Uncertain significance for Cardiovascular phenotype. Last evaluated: 2024-02-02. Review status: criteria provided, single submitter. Criteria: Ambry Variant Classification Scheme 2023. Collection method: clinical testing. Allele origin: germline.
Comment: The p.M160V variant (also known as c.478A>G), located in coding exon 1 of the KCND3 gene, results from an A to G substitution at nucleotide position 478. The methionine at codon 160 is replaced by valine, an amino acid with highly similar properties. This amino acid position is not well conserved in available vertebrate species. In addition, this alteration is predicted to be tolerated by in silico analysis. Based on the available evidence, the clinical significance of this alteration remains unclear.